The following is an entry in ClinVar:

ClinVar aggregate classification (germline): Uncertain significance (1 of 4 stars; one submission).

Allele frequency attached by ClinVar (database versions not stated): gnomAD 0.00001.
gnomAD v4.1: 2 of 1,611,832 alleles (0.00012%); highest among the groups gnomAD compares: African/African-American, 0.0027%; no homozygotes.

Submission:

Labcorp Genetics (formerly Invitae), Labcorp
Classification: Uncertain significance. Last evaluated: 2022-08-22. Review status: criteria provided, single submitter. Criteria: Invitae Variant Classification Sherloc (09022015). Collection method: clinical testing. Allele origin: germline.
Comment: This variant has not been reported in the literature in individuals affected with ECHS1-related conditions. This variant is present in population databases (no rsID available, gnomAD 0.01%). This sequence change replaces isoleucine, which is neutral and non-polar, with threonine, which is neutral and polar, at codon 36 of the ECHS1 protein (p.Ile36Thr). Advanced modeling of protein sequence and biophysical properties (such as structural, functional, and spatial information, amino acid conservation, physicochemical variation, residue mobility, and thermodynamic stability) performed at Invitae indicates that this missense variant is expected to disrupt ECHS1 protein function. In summary, the available evidence is currently insufficient to determine the role of this variant in disease. Therefore, it has been classified as a Variant of Uncertain Significance.

NM_004092.4(ECHS1):c.107T>C (p.Ile36Thr)

Gene: ECHS1 (enoyl-CoA hydratase, short chain 1; minus strand). Cytogenetic location: 10q26.3.
Variant type: single nucleotide variant.
Coding change: c.107T>C on transcript NM_004092.4 (MANE Select); coding-DNA position 107, T replaced by C.
Protein change: p.Ile36Thr; replaces isoleucine 36 with threonine.
Molecular consequence: missense variant.
Genome position (GRCh38, 1-based): chr10:133,370,739, A>G on the plus strand (T>C on the coding strand, the complement: ECHS1 is on the minus strand). VCF-style: chr10-133370739-A-G. GRCh37 (hg19) VCF-style: chr10-135184243-A-G.
Other names: short protein forms I36T.
Identifiers: ClinVar variation 1717549 (VCV001717549.5), dbSNP rs1235361102, ClinGen allele CA378823863.